The following is an entry in ClinVar:

NM_024675.4(PALB2):c.812G>A (p.Ser271Asn)

Gene: PALB2 (partner and localizer of BRCA2; minus strand). Cytogenetic location: 16p12.2.
Variant type: single nucleotide variant.
Coding change: c.812G>A on transcript NM_024675.4 (MANE Select); coding-DNA position 812, G replaced by A.
Protein change: p.Ser271Asn; replaces serine 271 with asparagine.
Molecular consequence: missense variant.
Genome position (GRCh38, 1-based): chr16:23,635,734, C>T on the plus strand (G>A on the coding strand, the complement: PALB2 is on the minus strand). VCF-style: chr16-23635734-C-T. GRCh37 (hg19) VCF-style: chr16-23647055-C-T.
Other names: short protein forms S271N.
Identifiers: ClinVar variation 830121 (VCV000830121.9), dbSNP rs1167051191, ClinGen allele CA395135989.
Genomic context (GRCh38, chr16:23,635,734, plus strand): 5'-GCCTCCAAACTTACAGGTGAAGTAAATCTAATGTTTTTTAGGTCGTGAGTAGTAAGTTCA[C>T]TGCTACCTTTAGGAGGAATGTGTTCAAGGTGCTGACTACTACCGCTATCTGATAGAGTCT-3'
Protein context (NP_078951.2, residues 261-281): HLEHIPPKGS[Ser271Asn]ELTTHDLKNI

ClinVar aggregate classification (germline): Conflicting classifications of pathogenicity. Review status: criteria provided, conflicting classifications (1 of 4 stars). 4 submissions from 4 submitters: Uncertain significance (2); Likely benign (1). 1 of the submissions does not count toward it. Last evaluated 2025-12-09.

Conditions:
Familial cancer of breast. Also called: BREAST CANCER, FAMILIAL; Hereditary breast cancer; hereditary breast carcinoma. Identifiers: Orphanet 227535, MedGen C0346153, MONDO:0016419, OMIM 114480. Disease mechanism: loss of function.
Hereditary cancer-predisposing syndrome. Also called: Hereditary neoplastic syndrome; Neoplastic Syndromes, Hereditary; Tumor predisposition; Hereditary Cancer Syndrome. Identifiers: Orphanet 140162, MedGen C0027672, MeSH D009386, MONDO:0015356.

Allele frequency attached by ClinVar (database versions not stated): gnomAD exomes below 0.00001 and 0.00001.
gnomAD v4.1: 4 of 1,614,188 alleles (0.00025%); highest among the groups gnomAD compares: East Asian, 0.0067%; no homozygotes.

Submissions (4):

Labcorp Genetics (formerly Invitae), Labcorp
Classification: Uncertain significance for Familial cancer of breast. Last evaluated: 2025-12-09. Review status: criteria provided, single submitter. Criteria: Invitae Variant Classification Sherloc (09022015). Collection method: clinical testing. Allele origin: germline.
Comment: This sequence change replaces serine, which is neutral and polar, with asparagine, which is neutral and polar, at codon 271 of the PALB2 protein (p.Ser271Asn). This variant is present in population databases (no rsID available, gnomAD 0.007%). This missense change has been observed in individual(s) with breast and/or ovarian cancer (PMID: 26411315, 30287823). ClinVar contains an entry for this variant (Variation ID: 830121). An algorithm developed to predict the effect of missense changes on protein structure and function (PolyPhen-2) suggests that this variant is likely to be tolerated. In summary, the available evidence is currently insufficient to determine the role of this variant in disease. Therefore, it has been classified as a Variant of Uncertain Significance.

Ambry Genetics
Classification: Likely benign for Hereditary cancer-predisposing syndrome. Last evaluated: 2024-05-29. Review status: criteria provided, single submitter. Criteria: Ambry Variant Classification Scheme 2023. Collection method: clinical testing. Allele origin: germline.

Color Diagnostics, LLC DBA Color Health
Classification: Uncertain significance for Hereditary cancer-predisposing syndrome. Last evaluated: 2023-10-03. Review status: criteria provided, single submitter. Criteria: ACMG Guidelines, 2015. Collection method: clinical testing. Allele origin: germline.
Comment: This missense variant replaces serine with asparagine at codon 271 of the PALB2 protein. Computational prediction suggests that this variant may not impact protein structure and function (internally defined REVEL score threshold <= 0.5, PMID: 27666373). To our knowledge, functional studies have not been reported for this variant. This variant has been reported in an individual affected with breast and/or ovarian cancer (PMID: 26411315). This variant also has been reported in multiple cancer case-control studies in 2/7051 female breast cancer cases and 5/11241 unaffected females (PMID: 30287823), in 0/1005 pancreatic cancer cases and 8/23705 unaffected individuals (PMID: 32980694), and in 9/7636 prostate cancer cases and 3/12366 unaffected individuals (PMID: 31214711). This variant has been identified in 1/251420 chromosomes in the general population by the Genome Aggregation Database (gnomAD). The available evidence is insufficient to determine the role of this variant in disease conclusively. Therefore, this variant is classified as a Variant of Uncertain Significance.

Leiden Open Variation Database
Classification: Uncertain significance. Last evaluated: 2018-10-10. Review status: no assertion criteria provided. Collection method: curation. Allele origin: germline. Affected: yes. Not counted in ClinVar's aggregate classification.
Comment: Curators: Marc Tischkowitz, Arleen D. Auerbach. Submitter to LOVD: Yukihide Momozawa.

Literature cited by the submitters: PubMed 26411315 (cited by 3 submitters); PubMed 30287823 (cited by 4 submitters); PubMed 31214711 (cited by Color Diagnostics, LLC DBA Color Health); PubMed 32980694 (cited by Color Diagnostics, LLC DBA Color Health).